The following is an entry in ClinVar:

ClinVar aggregate classification (germline): Likely pathogenic (1 of 4 stars; one submission).

Conditions:
Hereditary cancer-predisposing syndrome. Also called: Hereditary Cancer Syndrome; Hereditary neoplastic syndrome; Neoplastic Syndromes, Hereditary; Tumor predisposition. Identifiers: Orphanet 140162, MedGen C0027672, MeSH D009386, MONDO:0015356.

Submission:

Ambry Genetics
Classification: Likely pathogenic for Hereditary cancer-predisposing syndrome. Last evaluated: 2020-06-01. Review status: criteria provided, single submitter. Criteria: Ambry Autosomal Dominant and X-Linked criteria (2/2020). Collection method: clinical testing. Allele origin: germline. Observed: 1 variant allele.
Comment: The EX7dup gross duplication spans coding exon 7 in the CHEK2 gene; however, the exact breakpoints of the duplication were not determined. Additional RNA analysis identified this duplication in tandem in multiple probands and, it is predicted to result in a premature truncation causing a translational frameshift with a predicted alternate stop codon (Ambry internal data; Richardson ME et al. Genet. Med., 2018 Jul). Based on the majority of available evidence to date, this variant is likely to be pathogenic.

Literature cited by the submitters: PubMed 30054569.

NM_007194.3:c.(846+1_847-1)_(908+1_909-1)dup

Gene: CHEK2 (checkpoint kinase 2; minus strand).
Variant type: Duplication.
Identifiers: ClinVar variation 1065548 (VCV001065548.1).